The following is an entry in ClinVar:

ClinVar aggregate classification (germline): Uncertain significance (1 of 4 stars; one submission).

Conditions:
ZTTK syndrome (ZTTKS). Also called: ZTTK MULTIPLE CONGENITAL ANOMALIES-MENTAL RETARDATION SYNDROME; Zhu-Tokita-Takenouchi-Kim Syndrome. Identifiers: Orphanet 500150, MedGen C4310696, MONDO:0014936, OMIM 617140.

Submission:

Dasa
Classification: Uncertain significance for ZTTK syndrome. Last evaluated: 2026-01-02. Review status: criteria provided, single submitter. Criteria: DASA Assertion Criteria. Collection method: clinical testing. Allele origin: germline.
Comment: NM_138927.4(SON):c.4793C>G (p.Pro1598Arg) is a missense variant that results in the substitution of proline with arginine. This variant is rare in population databases. Computational prediction algorithms are consistent with a benign effect. The currently available literature and clinical evidence are not sufficient to establish a definitive association between this variant and the reported condition. Therefore, this variant is classified as a variant of uncertain significance.

NM_138927.4(SON):c.4793C>G (p.Pro1598Arg)

Gene: SON (SON DNA and RNA binding protein; plus strand). Cytogenetic location: 21q22.11.
Variant type: single nucleotide variant.
Coding change: c.4793C>G on transcript NM_138927.4 (MANE Select); coding-DNA position 4793, C replaced by G.
Protein change: p.Pro1598Arg; replaces proline 1598 with arginine.
Molecular consequence: missense variant. On other transcripts: non-coding transcript variant (1), intron variant (1).
Genome position (GRCh38, 1-based): chr21:33,554,024, C>G. VCF-style: chr21-33554024-C-G. GRCh37 (hg19) VCF-style: chr21-34926330-C-G.
Other names: c.4793C>G, p.Pro1598Arg (NM_001291411.2, NM_032195.3); c.245-3132C>G (NM_001291412.3); short protein forms P1598R.
Identifiers: ClinVar variation 4883761 (VCV004883761.2).
Genomic context (GRCh38, chr21:33,554,024, plus strand): 5'-TGGATACCTACCCTGGTGTTAGTGAAGCTGATGCAGGAGAAACTCTATCTTCTACTGGTC[C>G]TTTTGCTCTGGAACCTGATGCAACAGGAACTAGTAAGGGTATTGAATTTACCACAGCATC-3'
Protein context (NP_620305.3, residues 1588-1608): DAGETLSSTG[Pro1598Arg]FALEPDATGT